The following is an entry in ClinVar:

NM_001382.4(DPAGT1):c.1004A>C (p.Lys335Thr)

Gene: DPAGT1 (dolichyl-phosphate N-acetylglucosaminephosphotransferase 1; minus strand). Cytogenetic location: 11q23.3.
Variant type: single nucleotide variant.
Coding change: c.1004A>C on transcript NM_001382.4 (MANE Select); coding-DNA position 1004, A replaced by C.
Protein change: p.Lys335Thr; replaces lysine 335 with threonine.
Molecular consequence: missense variant.
Genome position (GRCh38, 1-based): chr11:119,097,465, T>G on the plus strand (A>C on the coding strand, the complement: DPAGT1 is on the minus strand). VCF-style: chr11-119097465-T-G. GRCh37 (hg19) VCF-style: chr11-118968175-T-G.
Other names: short protein forms K335T.
Identifiers: ClinVar variation 965363 (VCV000965363.9), dbSNP rs1946418638, ClinGen allele CA382909353.
Genomic context (GRCh38, chr11:119,097,465, plus strand): 5'-CCCCATTCCTCAAGGTCAGGATGGCAGCCTAGGGCCTTACCTCCTTGTTACCCTGTTACC[T>G]TTAAAATAAAGGTGCCCAAGAAAGAGAGGCTCTTGGTCTTGAACTTGGAATAGCTCATCT-3'
Protein context (NP_001373.2, residues 325-345): SLSFLGTFIL[Lys335Thr]VAESLQLVTV

ClinVar aggregate classification (germline): Uncertain significance (1 of 4 stars; one submission).

Conditions:
DPAGT1-congenital disorder of glycosylation. Also called: DPAGT1-CDG; CONGENITAL DISORDER OF GLYCOSYLATION, TYPE Ij; CDG Ij. Identifiers: Orphanet 86309, MedGen C2931004, MONDO:0011964, OMIM 608093.
Congenital myasthenic syndrome 13 (CMS13). Also called: Myasthenic syndrome, congenital, with tubular aggregates 2; Myasthenic syndrome, congenital, 13, with tubular aggregates. Identifiers: Orphanet 353327, Orphanet 590, MedGen C3553645, MONDO:0013883, OMIM 614750.

Submission:

Labcorp Genetics (formerly Invitae), Labcorp
Classification: Uncertain significance for Congenital myasthenic syndrome 13; DPAGT1-congenital disorder of glycosylation. Last evaluated: 2021-07-16. Review status: criteria provided, single submitter. Criteria: Invitae Variant Classification Sherloc (09022015). Collection method: clinical testing. Allele origin: germline.
Comment: This variant is not present in population databases (ExAC no frequency). In summary, the available evidence is currently insufficient to determine the role of this variant in disease. Therefore, it has been classified as a Variant of Uncertain Significance. Algorithms developed to predict the effect of sequence changes on RNA splicing suggest that this variant may disrupt the consensus splice site, but this prediction has not been confirmed by published transcriptional studies. Algorithms developed to predict the effect of missense changes on protein structure and function (SIFT, PolyPhen-2, Align-GVGD) all suggest that this variant is likely to be tolerated, but these predictions have not been confirmed by published functional studies and their clinical significance is uncertain. This variant has not been reported in the literature in individuals with DPAGT1-related conditions. This sequence change replaces lysine with threonine at codon 335 of the DPAGT1 protein (p.Lys335Thr). The lysine residue is highly conserved and there is a moderate physicochemical difference between lysine and threonine.